The following is an entry in ClinVar:

ClinVar aggregate classification (germline): Conflicting classifications of pathogenicity. Review status: criteria provided, conflicting classifications (1 of 4 stars). 4 submissions from 4 submitters: Pathogenic (1); Likely pathogenic (2); Uncertain significance (1). Last evaluated 2025-11-14.

Conditions:
Maple syrup urine disease (MSUD). Identifiers: Orphanet 511, MedGen C0024776, MeSH D008375, MONDO:0009563. Disease mechanism: loss of function.

Allele frequency attached by ClinVar (database versions not stated): gnomAD exomes below 0.00001; gnomAD 0.00001.
gnomAD v4.1: 2 of 1,597,738 alleles (0.00013%); highest among the groups gnomAD compares: Non-Finnish European, 0.00017%; no homozygotes.

Submissions (4):

Women's Health and Genetics/Laboratory Corporation of America, LabCorp
Classification: Uncertain significance. Last evaluated: 2025-11-14. Review status: criteria provided, single submitter. Criteria: LabCorp Variant Classification Summary - May 2015. Collection method: clinical testing. Allele origin: germline.
Comment: Variant summary: DBT c.206T>C (p.Leu69Pro) results in a non-conservative amino acid change located in the biotin/lipoyl attachment domain (IPR000089) of the encoded protein sequence. Algorithms developed to predict the effect of missense changes on protein structure and function all suggest that this variant is likely to be disruptive. The variant was absent in 251008 control chromosomes. The available data on variant occurrences in the general population are insufficient to allow any conclusion about variant significance. To our knowledge, no occurrence of c.206T>C in individuals affected with DBT-related conditions and no experimental evidence demonstrating its impact on protein function have been reported. ClinVar contains an entry for this variant (Variation ID: 1502605). Based on the evidence outlined above, the variant was classified as uncertain significance.

Labcorp Genetics (formerly Invitae), Labcorp
Classification: Likely pathogenic for Maple syrup urine disease. Last evaluated: 2023-12-26. Review status: criteria provided, single submitter. Criteria: Invitae Variant Classification Sherloc (09022015). Collection method: clinical testing. Allele origin: germline.
Comment: This sequence change replaces leucine, which is neutral and non-polar, with proline, which is neutral and non-polar, at codon 69 of the DBT protein (p.Leu69Pro). This variant is not present in population databases (gnomAD no frequency). This variant has not been reported in the literature in individuals affected with DBT-related conditions. ClinVar contains an entry for this variant (Variation ID: 1502605). Advanced modeling of protein sequence and biophysical properties (such as structural, functional, and spatial information, amino acid conservation, physicochemical variation, residue mobility, and thermodynamic stability) performed at Invitae indicates that this missense variant is expected to disrupt DBT protein function with a positive predictive value of 95%. This variant disrupts the p.Leu69 amino acid residue in DBT. Other variant(s) that disrupt this residue have been determined to be pathogenic (PMID: 31112740). This suggests that this residue is clinically significant, and that variants that disrupt this residue are likely to be disease-causing. In summary, the currently available evidence indicates that the variant is pathogenic, but additional data are needed to prove that conclusively. Therefore, this variant has been classified as Likely Pathogenic.

Genome-Nilou Lab
Classification: Likely pathogenic for Maple syrup urine disease type 1A. Last evaluated: 2023-04-11. Review status: criteria provided, single submitter. Criteria: ACMG Guidelines, 2015. Collection method: clinical testing. Allele origin: germline. Affected: no.

Mendelics
Classification: Pathogenic for Maple syrup urine disease type 1A. Last evaluated: 2022-05-04. Review status: criteria provided, single submitter. Criteria: Mendelics Assertion Criteria 2019. Collection method: clinical testing. Allele origin: germline.

Literature cited by the submitters: PubMed 31112740 (cited by Labcorp Genetics (formerly Invitae), Labcorp).

NM_001918.5(DBT):c.206T>C (p.Leu69Pro)

Gene: DBT (dihydrolipoamide branched chain transacylase E2; minus strand). Cytogenetic location: 1p21.2.
Variant type: single nucleotide variant.
Coding change: c.206T>C on transcript NM_001918.5 (MANE Select); coding-DNA position 206, T replaced by C.
Protein change: p.Leu69Pro; replaces leucine 69 with proline.
Molecular consequence: missense variant.
Genome position (GRCh38, 1-based): chr1:100,235,481, A>G on the plus strand (T>C on the coding strand, the complement: DBT is on the minus strand). VCF-style: chr1-100235481-A-G. GRCh37 (hg19) VCF-style: chr1-100701037-A-G.
Other names: short protein forms L69P.
Identifiers: ClinVar variation 1502605 (VCV001502605.10), dbSNP rs1663813561, ClinGen allele CA341345493.